The following is an entry in ClinVar:

NM_007194.4(CHEK2):c.1489G>A (p.Asp497Asn)

Gene: CHEK2 (checkpoint kinase 2; minus strand). Cytogenetic location: 22q12.1.
Variant type: single nucleotide variant.
Coding change: c.1489G>A on transcript NM_007194.4 (MANE Select); coding-DNA position 1489, G replaced by A.
Protein change: p.Asp497Asn; replaces aspartic acid 497 with asparagine.
Molecular consequence: missense variant.
Genome position (GRCh38, 1-based): chr22:28,689,188, C>T on the plus strand (G>A on the coding strand, the complement: CHEK2 is on the minus strand). VCF-style: chr22-28689188-C-T. GRCh37 (hg19) VCF-style: chr22-29085176-C-T.
Other names: p.Asp497Asn; c.1618G>A, p.Asp540Asn (NM_001005735.3); c.826G>A, p.Asp276Asn (NM_001257387.3); c.1288G>A, p.Asp430Asn (NM_001349956.3); c.1402G>A, p.Asp468Asn (NM_145862.3); short protein forms D497N, D276N, D430N, D468N, D540N.
Identifiers: ClinVar variation 142445 (VCV000142445.46), dbSNP rs143965148, ClinGen allele CA168377.

ClinVar aggregate classification (germline): Conflicting classifications of pathogenicity. Review status: criteria provided, conflicting classifications (1 of 4 stars). 18 submissions from 18 submitters: Uncertain significance (2); Benign (1); Likely benign (11). 4 of the submissions do not count toward it. Last evaluated 2026-04-01.

Conditions:
CHEK2-related disorder.
Hereditary cancer-predisposing syndrome. Also called: Tumor predisposition; Hereditary neoplastic syndrome; Hereditary Cancer Syndrome; Neoplastic Syndromes, Hereditary. Identifiers: Orphanet 140162, MedGen C0027672, MeSH D009386, MONDO:0015356.
Hereditary breast ovarian cancer syndrome. Also called: Hereditary breast and ovarian cancer; Hereditary breast and/or ovarian cancer syndrome; BRCA1- and BRCA2-Associated Hereditary Breast and Ovarian Cancer; Hereditary breast and ovarian cancer syndrome (HBOC); Hereditary breast and ovarian cancer syndrome; Breast and ovarian cancer. Identifiers: Orphanet 145, MedGen C0677776, MeSH D061325, MONDO:0003582. Disease mechanism: loss of function.
Familial cancer of breast. Also called: Hereditary breast cancer; hereditary breast carcinoma; BREAST CANCER, FAMILIAL. Identifiers: Orphanet 227535, MedGen C0346153, MONDO:0016419, OMIM 114480. Disease mechanism: loss of function.

Allele frequency attached by ClinVar (database versions not stated): gnomAD exomes 0.00011 and 0.00024; gnomAD 0.00014 and 0.00015; 1000 Genomes Project 30x 0.00016; TOPMed 0.00017; 1000 Genomes Project 0.00020; ExAC 0.00023.
gnomAD v4.1: 184 of 1,593,858 alleles (0.012%); highest among the groups gnomAD compares: Admixed American, 0.08%; no homozygotes.

Submissions (18):

CeGaT Center for Human Genetics Tuebingen
Classification: Likely benign. Last evaluated: 2026-04-01. Review status: criteria provided, single submitter. Criteria: CeGaT Center For Human Genetics Tuebingen Variant Classification Criteria Version 2. Collection method: clinical testing. Allele origin: germline. Affected: yes. Observed: 2 variant alleles.
Comment: CHEK2: BP4, BS3:Supporting

Labcorp Genetics (formerly Invitae), Labcorp
Classification: Likely benign for Familial cancer of breast. Last evaluated: 2026-01-31. Review status: criteria provided, single submitter. Criteria: Invitae Variant Classification Sherloc (09022015). Collection method: clinical testing. Allele origin: germline.

GeneDx
Classification: Uncertain significance. Last evaluated: 2025-06-24. Review status: criteria provided, single submitter. Criteria: GeneDx Variant Classification Process June 2021. Collection method: clinical testing. Allele origin: germline. Affected: yes.
Comment: Observed in individuals with breast, endometrial, or ovarian cancer, but also in unaffected controls (PMID: 25186627, 27443514, 32546565, 31206626, 33471991, 34326862, 38061684); Published functional studies suggest no damaging effect: normal cell growth after exposure to DNA damage, and KAP1 and CHK2 kinase activity in the wild-type range in vitro (PMID: 30851065, 37449874); In silico analysis suggests that this missense variant does not alter protein structure/function; This variant is associated with the following publications: (PMID: 27443514, 25186627, 32546565, 31398194, 32906215, 25085752, 37216304, 34326862, 31206626, 33471991, 38061684, 30851065, 37449874, 22419737, 19782031)

ARUP Laboratories, Molecular Genetics and Genomics, ARUP Laboratories
Classification: Likely benign. Last evaluated: 2025-06-09. Review status: criteria provided, single submitter. Criteria: ARUP Molecular Germline Variant Investigation Process 2024. Collection method: clinical testing. Allele origin: germline.

Women's Health and Genetics/Laboratory Corporation of America, LabCorp
Classification: Likely benign. Last evaluated: 2025-06-09. Review status: criteria provided, single submitter. Criteria: LabCorp Variant Classification Summary - May 2015. Collection method: clinical testing. Allele origin: germline.
Comment: Variant summary: CHEK2 c.1489G>A (p.Asp497Asn) results in a conservative amino acid change in the encoded protein sequence. Algorithms developed to predict the effect of missense changes on protein structure and function all suggest that this variant is likely to be tolerated. The variant allele was found at a frequency of 0.00024 in 233606 control chromosomes, predominantly at a frequency of 0.0009 within the Latino subpopulation in the gnomAD database. The observed variant frequency within Latino control individuals in the gnomAD database is approximately 2.8 fold of the estimated maximal expected allele frequency for a pathogenic variant in CHEK2 causing Hereditary Breast And Ovarian Cancer Syndrome phenotype (0.00031). This variant has also been reported among women who are cancer free and older than age 70 (FLOSSIES database). c.1489G>A has been observed in individual(s) undergoing clinical genetic testing for breast cancer (example, Tung_2015, Vargas-Parra_2020, Infante_2024), endometrial carcinoma (Ring_2016), and has also been reported in both cancer cohorts and control groups (Weitzel_2019, Dorling_2021). These report(s) do not provide unequivocal conclusions about association of the variant with Hereditary Breast And Ovarian Cancer Syndrome. At least one publication reports experimental evidence evaluating an impact on protein function. These results showed no damaging effect of this variant (Delimitsou_2019, Stolarova_2023). The following publications have been ascertained in the context of this evaluation (PMID: 30851065, 33471991, 38061684, 27443514, 37449874, 25186627, 32906215, 31206626). ClinVar contains an entry for this variant (Variation ID: 142445). Based on the evidence outlined above, the variant was classified as likely benign.

PreventionGenetics, part of Exact Sciences
Classification: Likely benign for CHEK2-related condition. Last evaluated: 2025-02-06. Review status: criteria provided, single submitter. Criteria: ACMG Guidelines, 2015. Collection method: clinical testing. Allele origin: germline.
Comment: This variant is classified as likely benign based on ACMG/AMP sequence variant interpretation guidelines (Richards et al. 2015 PMID: 25741868, with internal and published modifications).

Quest Diagnostics Nichols Institute San Juan Capistrano
Classification: Likely benign. Last evaluated: 2024-11-29. Review status: criteria provided, single submitter. Criteria: Quest Diagnostics criteria. Collection method: clinical testing. Allele origin: unknown.

Blueprint Genetics
Classification: Likely benign. Last evaluated: 2024-11-13. Review status: criteria provided, single submitter. Criteria: ACMG Guidelines, 2015. Collection method: clinical testing. Allele origin: germline.

German Consortium for Hereditary Breast and Ovarian Cancer, University Hospital Cologne
Classification: Benign for Hereditary breast ovarian cancer syndrome. Last evaluated: 2024-02-15. Review status: criteria provided, single submitter. Criteria: ACMG Guidelines, 2015. Collection method: curation. Allele origin: germline.
Comment: According to the ACMG SVI adaptation criteria we chose these criteria: BP4 (supporting benign): spliceAI: CHEK2: 0.0, REVEL: 0.036, BS1 (strong benign): gnomAD v2.1.1 FAF Exom >0,05%, BS3 (strong benign): Delimitsou 2018/Stolarova 2023: benign

Myriad Genetics, Inc.
Classification: Likely benign for Familial cancer of breast. Last evaluated: 2023-03-08. Review status: criteria provided, single submitter. Criteria: Myriad Autosomal Dominant, Autosomal Recessive and X-Linked Classification Criteria (2023). Collection method: clinical testing. Allele origin: unknown.
Comment: This variant is considered likely benign. This variant is strongly associated with less severe personal and family histories of cancer, typical for individuals without pathogenic variants in this gene [PMID: 25085752].

Mayo Clinic Laboratories, Mayo Clinic
Classification: Uncertain significance. Last evaluated: 2022-09-07. Review status: criteria provided, single submitter. Criteria: ACMG Guidelines, 2015. Collection method: clinical testing. Allele origin: germline. Observed: 2 variant alleles.
Comment: BP4

Mendelics
Classification: Likely benign for Familial cancer of breast. Last evaluated: 2019-05-28. Review status: criteria provided, single submitter. Criteria: Mendelics Assertion Criteria 2017. Collection method: clinical testing. Allele origin: unknown.

Ambry Genetics
Classification: Likely benign for Hereditary cancer-predisposing syndrome. Last evaluated: 2019-05-01. Review status: criteria provided, single submitter. Criteria: Ambry Variant Classification Scheme 2023. Collection method: clinical testing. Allele origin: germline.

Color Diagnostics, LLC DBA Color Health
Classification: Likely benign for Hereditary cancer-predisposing syndrome. Last evaluated: 2015-12-08. Review status: criteria provided, single submitter. Criteria: ACMG Guidelines, 2015. Collection method: clinical testing. Allele origin: germline.

Counsyl
Classification: Uncertain significance for Familial cancer of breast. Last evaluated: 2016-06-23. Review status: no assertion criteria provided. Collection method: clinical testing. Allele origin: unknown. Not counted in ClinVar's aggregate classification.

Clinical Genetics Laboratory, Department of Pathology, Netherlands Cancer Institute
Classification: Likely benign. Review status: no assertion criteria provided. Collection method: clinical testing. Allele origin: germline. Affected: yes. Study: VKGL Data-share Consensus. Not counted in ClinVar's aggregate classification.

Department of Pathology and Laboratory Medicine, Sinai Health System
Classification: Uncertain significance. Review status: no assertion criteria provided. Collection method: clinical testing. Allele origin: unknown. Affected: yes. Study: The Canadian Open Genetics Repository (COGR). Not counted in ClinVar's aggregate classification.
Comment: The CHEK2 p.Asp497Asn variant was not identified in the literature nor was it identified in the Cosmic and MutDB. The variant was identified in dbSNP (ID: rs143965148) as â€šÃ„ÃºWith other alleleâ€šÃ„Ã¹, ClinVar (classified as likely benign by Ambry Genetics, Invitae and Laboratory Corporation of America, and uncertain significance by GeneDx and Counsyl), Clinvitae (3x), Zhejiang University Database (1x), and in control databases in 57 of 260048 chromosomes at a frequency of 0.0002 increasing the likelihood this could be a low frequency benign variant (Genome Aggregation Database Feb 27, 2017). It was observed in the following populations: African in 9 of 22562 chromosomes (freq: 0.0004), Other in 5 of 6274 chromosomes (freq: 0.0008), Latino in 32 of 34204 chromosomes (freq: 0.0009), European Non-Finnish in 7 of 121964 chromosomes (freq: 0.00006), Ashkenazi Jewish in 4 of 9954 chromosomes (freq: 0.0004); it was not observed in the East Asian, Finnish, and South Asian populations. The p.Asp497 residue is not conserved in mammals and computational analyses (PolyPhen-2, SIFT, AlignGVGD, BLOSUM, MutationTaster) do not suggest a high likelihood of impact of the variant Asn to the protein; however, this information is not predictive enough to rule out pathogenicity. The variant occurs outside of the splicing consensus sequence and 1 of 5 in silico or computational prediction software programs (SpliceSiteFinder, MaxEntScan, NNSPLICE, GeneSplicer, HumanSpliceFinder) predict a greater than 10% difference in splicing; this is not very predictive of pathogenicity. In summary, based on the above information the clinical significance of this variant cannot be determined with certainty at this time. This variant is classified as a variant of uncertain significance.

Joint Genome Diagnostic Labs from Nijmegen and Maastricht, Radboudumc and MUMC+
Classification: Likely benign. Review status: no assertion criteria provided. Collection method: clinical testing. Allele origin: germline. Affected: yes. Study: VKGL Data-share Consensus. Not counted in ClinVar's aggregate classification.

Literature cited by the submitters: PubMed 25186627 (cited by 3 submitters); PubMed 27443514 (cited by 3 submitters); PubMed 30851065 (cited by 3 submitters); PubMed 31206626 (cited by Women's Health and Genetics/Laboratory Corporation of America, LabCorp and Quest Diagnostics Nichols Institute San Juan Capistrano); PubMed 32906215 (cited by 3 submitters); PubMed 33471991 (cited by Women's Health and Genetics/Laboratory Corporation of America, LabCorp and Quest Diagnostics Nichols Institute San Juan Capistrano); PubMed 37449874 (cited by Women's Health and Genetics/Laboratory Corporation of America, LabCorp); PubMed 38061684 (cited by Women's Health and Genetics/Laboratory Corporation of America, LabCorp); PubMed 25085752 (cited by Myriad Genetics, Inc.).